The following is an entry in ClinVar:

ClinVar aggregate classification (germline): Likely benign (1 of 4 stars; one submission).

gnomAD v4.1: 2 of 1,553,852 alleles (0.00013%); highest among the groups gnomAD compares: Admixed American, 0.0019%; no homozygotes.

Submission:

CeGaT Center for Human Genetics Tuebingen
Classification: Likely benign. Last evaluated: 2026-05-01. Review status: criteria provided, single submitter. Criteria: CeGaT Center For Human Genetics Tuebingen Variant Classification Criteria Version 2. Collection method: clinical testing. Allele origin: germline. Affected: yes. Observed: 1 variant allele.
Comment: TCF4: BP4

NM_001083962.2(TCF4):c.305-168T>C

Gene: TCF4 (transcription factor 4; minus strand). Cytogenetic location: 18q21.2.
Variant type: single nucleotide variant.
Coding change: c.305-168T>C on transcript NM_001083962.2 (MANE Select); 168 bases into the intron before coding-DNA position 305, T replaced by C.
Molecular consequence: intron variant. On other transcripts: missense variant (2).
Genome position (GRCh38, 1-based): chr18:55,403,686, A>G on the plus strand (T>C on the coding strand, the complement: TCF4 is on the minus strand). VCF-style: chr18-55403686-A-G. GRCh37 (hg19) VCF-style: chr18-53070917-A-G.
Other names: c.233-168T>C (NM_001306207.1, NM_001348217.1, NM_001369584.1 and 15 more transcripts); c.29T>C, p.Ile10Thr (NM_001243232.1, NM_001306208.1); c.611-168T>C (NM_001243226.3); c.305-168T>C (NM_001369571.1, NM_001369567.1, NM_001243228.2 and 8 more transcripts); c.299-168T>C (NM_001243230.2); c.179-168T>C (NM_001243231.2, NM_001348211.2); c.-83-168T>C (NM_001348212.2); c.-86-168T>C (NM_001348213.2, NM_001243233.2); short protein forms I10T.
Identifiers: ClinVar variation 4874999 (VCV004874999.2).
Genomic context (GRCh38, chr18:55,403,686, plus strand): 5'-GTAGGCACTACTGGCAATGTATGCAAGCAAGAGAGGGAATAACACTTCCTCACTCTGGCT[A>G]TGATAAACTGGAAAAAAATATCCTTCATTCCTATTCTTAGCCAAACTGCTCCACACTTCC-3'